The following is an entry in ClinVar:

NM_001134831.2(AHI1):c.2623+3G>A

Gene: AHI1 (Abelson helper integration site 1; minus strand). Cytogenetic location: 6q23.3.
Variant type: single nucleotide variant.
Coding change: c.2623+3G>A on transcript NM_001134831.2 (MANE Select); 3 bases into the intron after coding-DNA position 2623, G replaced by A.
Molecular consequence: intron variant.
Genome position (GRCh38, 1-based): chr6:135,428,626, C>T on the plus strand (G>A on the coding strand, the complement: AHI1 is on the minus strand). VCF-style: chr6-135428626-C-T. GRCh37 (hg19) VCF-style: chr6-135749764-C-T.
Other names: c.2623+3G>A (NM_001134830.2, NM_001350503.2, NM_017651.5 and 2 more transcripts).
Identifiers: ClinVar variation 1400351 (VCV001400351.6), dbSNP rs2128009174, ClinGen allele CA2573140537.

ClinVar aggregate classification (germline): Uncertain significance (1 of 4 stars; one submission).

Conditions:
Joubert syndrome. Also called: CEREBELLOPARENCHYMAL DISORDER IV; JOUBERT-BOLTSHAUSER SYNDROME; Familial aplasia of the vermis. Identifiers: Orphanet 475, MedGen C5979921, MONDO:0018772.

Allele frequency attached by ClinVar (database versions not stated): gnomAD exomes below 0.00001.
gnomAD v4.1: 1 of 1,596,238 alleles (0.000063%); highest among the groups gnomAD compares: Non-Finnish European, 0.000085%; no homozygotes.

Submission:

Labcorp Genetics (formerly Invitae), Labcorp
Classification: Uncertain significance for Joubert syndrome. Last evaluated: 2021-12-02. Review status: criteria provided, single submitter. Criteria: Invitae Variant Classification Sherloc (09022015). Collection method: clinical testing. Allele origin: germline.
Comment: This sequence change falls in intron 18 of the AHI1 gene. It does not directly change the encoded amino acid sequence of the AHI1 protein. It affects a nucleotide within the consensus splice site. In summary, the available evidence is currently insufficient to determine the role of this variant in disease. Therefore, it has been classified as a Variant of Uncertain Significance. Variants that disrupt the consensus splice site are a relatively common cause of aberrant splicing (PMID: 17576681, 9536098). Algorithms developed to predict the effect of sequence changes on RNA splicing suggest that this variant may create or strengthen a splice site. This variant has not been reported in the literature in individuals affected with AHI1-related conditions. This variant is not present in population databases (gnomAD no frequency).

Literature cited by the submitters: PubMed 17576681; PubMed 9536098.